The following is an entry in ClinVar:

ClinVar aggregate classification (germline): Uncertain significance (1 of 4 stars; one submission).

gnomAD v4.1: 2 of 1,613,492 alleles (0.00012%); highest among the groups gnomAD compares: Non-Finnish European, 0.00017%; no homozygotes.

Submission:

Labcorp Genetics (formerly Invitae), Labcorp
Classification: Uncertain significance. Last evaluated: 2025-10-21. Review status: criteria provided, single submitter. Criteria: Invitae Variant Classification Sherloc (09022015). Collection method: clinical testing. Allele origin: germline.
Comment: This sequence change replaces asparagine, which is neutral and polar, with threonine, which is neutral and polar, at codon 280 of the TNNI3K protein (p.Asn280Thr). This variant is present in population databases (rs752154654, gnomAD 0.0009%). This variant has not been reported in the literature in individuals affected with TNNI3K-related conditions. ClinVar contains an entry for this variant (Variation ID: 3679431). Invitae Evidence Modeling of protein sequence and biophysical properties (such as structural, functional, and spatial information, amino acid conservation, physicochemical variation, residue mobility, and thermodynamic stability) indicates that this missense variant is not expected to disrupt TNNI3K protein function with a negative predictive value of 80%. In summary, the available evidence is currently insufficient to determine the role of this variant in disease. Therefore, it has been classified as a Variant of Uncertain Significance.

NM_015978.3(TNNI3K):c.839A>C (p.Asn280Thr)

Genes: FPGT-TNNI3K (FPGT-TNNI3K readthrough; plus strand), TNNI3K (TNNI3 interacting kinase; plus strand). Cytogenetic location: 1p31.1.
Variant type: single nucleotide variant.
Coding change: c.839A>C on transcript NM_015978.3 (MANE Select); coding-DNA position 839, A replaced by C.
Protein change: p.Asn280Thr; replaces asparagine 280 with threonine.
Molecular consequence: missense variant.
Genome position (GRCh38, 1-based): chr1:74,343,086, A>C. VCF-style: chr1-74343086-A-C. GRCh37 (hg19) VCF-style: chr1-74808770-A-C.
Other names: c.1142A>C, p.Asn381Thr (NM_001112808.3, NM_001199327.2); short protein forms N280T, N381T.
Identifiers: ClinVar variation 3679431 (VCV003679431.2).